The following is an entry in ClinVar:

ClinVar aggregate classification (germline): Pathogenic (1 of 4 stars; one submission).

Conditions:
Mitochondrial trifunctional protein deficiency. Identifiers: Orphanet 746, MedGen C1969443, MONDO:0012172.

Submission:

Labcorp Genetics (formerly Invitae), Labcorp
Classification: Pathogenic for Mitochondrial trifunctional protein deficiency. Last evaluated: 2023-03-03. Review status: criteria provided, single submitter. Criteria: Invitae Variant Classification Sherloc (09022015). Collection method: clinical testing. Allele origin: unknown.
Comment: For these reasons, this variant has been classified as Pathogenic. This variant disrupts a region of the HADHB protein in which other variant(s) (p.Val455Gly) have been determined to be pathogenic (PMID: 19699128, 19880769, 26109258; Invitae). This suggests that this is a clinically significant region of the protein, and that variants that disrupt it are likely to be disease-causing. This variant has not been reported in the literature in individuals affected with HADHB-related conditions. This variant is a gross deletion of the genomic region encompassing exon(s) 4-16 of the HADHB gene, which includes the termination codon. This deletion extends beyond the assayed region for this gene and therefore may encompass additional genes. While this deletion is not anticipated to lead to nonsense mediated decay, it is expected to alter mRNA translation or result in a truncated protein product.

Literature cited by the submitters: PubMed 19699128; PubMed 19880769; PubMed 26109258.

NC_000002.11:g.(?_26486228)_(26781439_?)del

Genes: ADGRF3 (adhesion G protein-coupled receptor F3; minus strand), DRC1 (dynein regulatory complex subunit 1; plus strand), HADHB (hydroxyacyl-CoA dehydrogenase trifunctional multienzyme complex subunit beta; plus strand), OTOF (otoferlin; minus strand), SELENOI (selenoprotein I; plus strand). Cytogenetic location: 2p23.3.
Variant type: Deletion.
Identifiers: ClinVar variation 3247339 (VCV003247339.1).